The following is an entry in ClinVar:

ClinVar aggregate classification (germline): Uncertain significance (1 of 4 stars; one submission).

Conditions:
RYR1-related disorder. Also called: RYR1-related disorders; RYR1-related condition. Identifiers: MedGen CN239331.

Allele frequency attached by ClinVar (database versions not stated): gnomAD exomes below 0.00001.
gnomAD v4.1: 1 of 1,614,070 alleles (0.000062%); highest among the groups gnomAD compares: Admixed American, 0.0017%; no homozygotes.

Submission:

Labcorp Genetics (formerly Invitae), Labcorp
Classification: Uncertain significance for RYR1-related disorder. Last evaluated: 2020-01-30. Review status: criteria provided, single submitter. Criteria: Invitae Variant Classification Sherloc (09022015). Collection method: clinical testing. Allele origin: germline.
Comment: This sequence change replaces phenylalanine with leucine at codon 909 of the RYR1 protein (p.Phe909Leu). The phenylalanine residue is highly conserved and there is a small physicochemical difference between phenylalanine and leucine. This variant is not present in population databases (ExAC no frequency). This variant has not been reported in the literature in individuals with RYR1-related conditions. Algorithms developed to predict the effect of missense changes on protein structure and function are either unavailable or do not agree on the potential impact of this missense change (SIFT: "Deleterious"; PolyPhen-2: "Probably Damaging"; Align-GVGD: "Class C0"). In summary, the available evidence is currently insufficient to determine the role of this variant in disease. Therefore, it has been classified as a Variant of Uncertain Significance.

NM_000540.3(RYR1):c.2727C>A (p.Phe909Leu)

Gene: RYR1 (ryanodine receptor 1; plus strand). Cytogenetic location: 19q13.2.
Variant type: single nucleotide variant.
Coding change: c.2727C>A on transcript NM_000540.3 (MANE Select); coding-DNA position 2727, C replaced by A.
Protein change: p.Phe909Leu; replaces phenylalanine 909 with leucine.
Molecular consequence: missense variant.
Genome position (GRCh38, 1-based): chr19:38,463,791, C>A. VCF-style: chr19-38463791-C-A. GRCh37 (hg19) VCF-style: chr19-38954431-C-A.
Other names: c.2727C>A, p.Phe909Leu (NM_001042723.2); short protein forms F909L.
Identifiers: ClinVar variation 835402 (VCV000835402.10), dbSNP rs1307510140, ClinGen allele CA405632392.